The following is an entry in ClinVar:

NM_001130823.3(DNMT1):c.894_896del (p.Asp298del)

Gene: DNMT1 (DNA methyltransferase 1; minus strand). Cytogenetic location: 19p13.2.
Variant type: Deletion.
Coding change: c.894_896del on transcript NM_001130823.3 (MANE Select); coding-DNA positions 894 to 896, 3 bases deleted (TGA; older notation c.894_896delTGA).
Protein change: p.Asp298del; deletes aspartic acid 298.
Molecular consequence: inframe deletion.
Genome position (GRCh38, 1-based): chr19:10,163,356-10,163,358, TCA deleted on the plus strand (TGA on the coding strand, the reverse complement: DNMT1 is on the minus strand); deleting any 3 consecutive bases within chr19:10,163,356-10,163,360 gives the same sequence; the c. name uses the placement nearest the transcript's 3' end. VCF-style (leftmost placement, unchanged base first): chr19-10163355-CTCA-C. GRCh37 (hg19) VCF-style: chr19-10274031-CTCA-C.
Other names: c.846_848del, p.Asp282del (NM_001318730.2, NM_001379.4); c.531_533del, p.Asp177del (NM_001318731.2); c.894_896delTGA (NM_001130823.2); c.894_896del (LRG_362t1); short protein forms D298del, D282del, D177del.
Identifiers: ClinVar variation 565553 (VCV000565553.9), dbSNP rs1568241116, ClinGen allele CA891843995.
Genomic context (GRCh38, chr19:10,163,355, plus strand): 5'-ACACAAAAGCACAAGCATTTTAAACACTTACAGATCTTTGGGTTGACTTCTGTGCTTCTT[CTCA>C]TCCTGACAGAAAAATAAGGGGGAGGTAGAGAGATAAAGAAGGGAAAAAATTAGTTTCTGA-3'

ClinVar aggregate classification (germline): Uncertain significance. Review status: criteria provided, multiple submitters, no conflicts (2 of 4 stars). 2 submissions from 2 submitters: Uncertain significance (2). Last evaluated 2026-02-12.

Conditions:
Hereditary sensory neuropathy-deafness-dementia syndrome. Also called: HSN IE; NEUROPATHY, HEREDITARY SENSORY, WITH HEARING LOSS AND DEMENTIA; Hereditary Sensory and Autonomic Neuropathy Type 1E (HSAN1E); Hereditary sensory neuropathy type IE. Identifiers: Orphanet 456318, MedGen C3279885, MONDO:0013584, OMIM 614116.
DNMT1-related disorder. Also called: DNMT1-related condition. Identifiers: MedGen CN381527.

Submissions (2):

PreventionGenetics, part of Exact Sciences
Classification: Uncertain significance for DNMT1-related condition. Last evaluated: 2026-02-12. Review status: criteria provided, single submitter. Criteria: ACMG Guidelines, 2015. Collection method: clinical testing. Allele origin: germline.
Comment: The DNMT1 c.894_896delTGA variant is predicted to result in an in-frame deletion (p.Asp298del). To our knowledge, this variant has not been reported in the literature or in a large population database (gnomAD), indicating this variant is rare. At this time, the clinical significance of this variant is uncertain due to the absence of conclusive functional and genetic evidence.

Labcorp Genetics (formerly Invitae), Labcorp
Classification: Uncertain significance for Hereditary sensory neuropathy-deafness-dementia syndrome. Last evaluated: 2018-01-16. Review status: criteria provided, single submitter. Criteria: Invitae Variant Classification Sherloc (09022015). Collection method: clinical testing. Allele origin: germline.
Comment: In summary, the available evidence is currently insufficient to determine the role of this variant in disease. Therefore, it has been classified as a Variant of Uncertain Significance. Experimental studies and prediction algorithms are not available for this variant, and the functional significance of the deleted amino acid is currently unknown. This variant has not been reported in the literature in individuals with DNMT1-related disease. This variant is not present in population databases (ExAC no frequency). This variant, c.894_896delTGA, results in the deletion of 1 amino acid of the DNMT1 protein (p.Asp298del), but otherwise preserves the integrity of the reading frame.